The following is an entry in ClinVar:

NM_001848.3(COL6A1):c.1013G>A (p.Gly338Glu)

Gene: COL6A1 (collagen type VI alpha 1 chain; plus strand). Cytogenetic location: 21q22.3.
Variant type: single nucleotide variant.
Coding change: c.1013G>A on transcript NM_001848.3 (MANE Select); coding-DNA position 1013, G replaced by A.
Protein change: p.Gly338Glu; replaces glycine 338 with glutamic acid.
Molecular consequence: missense variant.
Genome position (GRCh38, 1-based): chr21:45,990,783, G>A. VCF-style: chr21-45990783-G-A. GRCh37 (hg19) VCF-style: chr21-47410697-G-A.
Other names: short protein forms G338E.
Identifiers: ClinVar variation 194366 (VCV000194366.20), dbSNP rs794727121, ClinGen allele CA240292.

ClinVar aggregate classification (germline): Conflicting classifications of pathogenicity. Review status: criteria provided, conflicting classifications (1 of 4 stars). 3 submissions from 3 submitters: Pathogenic (1); Likely pathogenic (1); Uncertain significance (1). Last evaluated 2024-12-04.

Conditions:
Bethlem myopathy 1A. Also called: MYOPATHY, BENIGN CONGENITAL, WITH CONTRACTURES; Bethlem myopathy 1; Bethlem Muscular Dystrophy. Identifiers: Orphanet 610, MedGen CN029274, MONDO:0024530, OMIM 158810.

Submissions (3):

Revvity Omics, Revvity
Classification: Likely pathogenic. Last evaluated: 2024-12-04. Review status: criteria provided, single submitter. Criteria: ACMG Guidelines, 2015. Collection method: clinical testing. Allele origin: germline.

Labcorp Genetics (formerly Invitae), Labcorp
Classification: Uncertain significance for Bethlem myopathy 1A. Last evaluated: 2022-02-24. Review status: criteria provided, single submitter. Criteria: Invitae Variant Classification Sherloc (09022015). Collection method: clinical testing. Allele origin: germline.
Comment: In summary, the available evidence is currently insufficient to determine the role of this variant in disease. Therefore, it has been classified as a Variant of Uncertain Significance. This variant disrupts the triple helix domain of COL6A1. Glycine residues within the Gly-Xaa-Yaa repeats of the triple helix domain are required for the structure and stability of fibrillar collagens (PMID: 7695699, 8218237, 19344236). In COL6A1, variants at these glycine residues are significantly enriched in individuals with autosomal dominant disease (PMID: 15689448, 24038877) compared to the general population (ExAC). Algorithms developed to predict the effect of missense changes on protein structure and function are either unavailable or do not agree on the potential impact of this missense change (SIFT: "Deleterious"; PolyPhen-2: "Not Available"; Align-GVGD: "Class C65"). ClinVar contains an entry for this variant (Variation ID: 194366). This variant has not been reported in the literature in individuals affected with COL6A1-related conditions. This variant is not present in population databases (gnomAD no frequency). This sequence change replaces glycine, which is neutral and non-polar, with glutamic acid, which is acidic and polar, at codon 338 of the COL6A1 protein (p.Gly338Glu).

Eurofins Ntd Llc (ga)
Classification: Pathogenic. Last evaluated: 2017-06-05. Review status: criteria provided, single submitter. Criteria: EGL Classification Definitions. Collection method: clinical testing. Allele origin: germline. Observed: 9 variant alleles, 9 heterozygotes.

Literature cited by the submitters: PubMed 7695699 (cited by Labcorp Genetics (formerly Invitae), Labcorp); PubMed 8218237 (cited by Labcorp Genetics (formerly Invitae), Labcorp); PubMed 19344236 (cited by Labcorp Genetics (formerly Invitae), Labcorp); PubMed 15689448 (cited by Labcorp Genetics (formerly Invitae), Labcorp); PubMed 24038877 (cited by Labcorp Genetics (formerly Invitae), Labcorp).